The following is an entry in ClinVar:

ClinVar aggregate classification (germline): Uncertain significance (1 of 4 stars; one submission).

Conditions:
Alstrom syndrome (ALMS). Identifiers: Orphanet 64, MedGen C0268425, MONDO:0008763, OMIM 203800.

Allele frequency attached by ClinVar (database versions not stated): TOPMed below 0.00001.

Submission:

Labcorp Genetics (formerly Invitae), Labcorp
Classification: Uncertain significance for Alstrom syndrome. Last evaluated: 2019-01-09. Review status: criteria provided, single submitter. Criteria: Invitae Variant Classification Sherloc (09022015). Collection method: clinical testing. Allele origin: germline.
Comment: This sequence change replaces asparagine with aspartic acid at codon 3018 of the ALMS1 protein (p.Asn3018Asp). The asparagine residue is weakly conserved and there is a small physicochemical difference between asparagine and aspartic acid. This variant is not present in population databases (ExAC no frequency). This variant has not been reported in the literature in individuals with ALMS1-related conditions. Algorithms developed to predict the effect of missense changes on protein structure and function are either unavailable or do not agree on the potential impact of this missense change (SIFT: "Tolerated"; PolyPhen-2: "Not Available"; Align-GVGD: "Class C0"). In summary, the available evidence is currently insufficient to determine the role of this variant in disease. Therefore, it has been classified as a Variant of Uncertain Significance.

NM_001378454.1(ALMS1):c.9049A>G (p.Asn3017Asp)

Gene: ALMS1 (ALMS1 centrosome and basal body associated protein; plus strand). Cytogenetic location: 2p13.1.
Variant type: single nucleotide variant.
Coding change: c.9049A>G on transcript NM_001378454.1 (MANE Select); coding-DNA position 9049, A replaced by G.
Protein change: p.Asn3017Asp; replaces asparagine 3017 with aspartic acid.
Molecular consequence: missense variant.
Genome position (GRCh38, 1-based): chr2:73,491,008, A>G. VCF-style: chr2-73491008-A-G. GRCh37 (hg19) VCF-style: chr2-73718135-A-G.
Other names: c.9052A>G, p.Asn3018Asp (NM_015120.4); short protein forms N3018D, N3017D.
Identifiers: ClinVar variation 664922 (VCV000664922.9), dbSNP rs1572970420, ClinGen allele CA347272676.
Genomic context (GRCh38, chr2:73,491,008, plus strand): 5'-AAGAATAATCAACATAAGCCTAAATCACACATTTCTAATATAAATGTTGAAGCCAAGTTC[A>G]ATACTGTGGTCTCCCAGTCAGCCCCAAATCACTGTACATTAGCAGCATCTGCATCTACTC-3'
Protein context (NP_001365383.1, residues 3007-3027): ISNINVEAKF[Asn3017Asp]TVVSQSAPNH